The following is an entry in ClinVar:

NM_000360.4(TH):c.1162T>C (p.Tyr388His)

Gene: TH (tyrosine hydroxylase; minus strand). Cytogenetic location: 11p15.5.
Variant type: single nucleotide variant.
Coding change: c.1162T>C on transcript NM_000360.4 (MANE Select); coding-DNA position 1162, T replaced by C.
Protein change: p.Tyr388His; replaces tyrosine 388 with histidine.
Molecular consequence: missense variant.
Genome position (GRCh38, 1-based): chr11:2,165,706, A>G on the plus strand (T>C on the coding strand, the complement: TH is on the minus strand). VCF-style: chr11-2165706-A-G. GRCh37 (hg19) VCF-style: chr11-2186936-A-G.
Other names: c.1255T>C, p.Tyr419His (NM_199292.3); c.1243T>C, p.Tyr415His (NM_199293.3); short protein forms Y388H, Y415H, Y419H.
Identifiers: ClinVar variation 1339131 (VCV001339131.2), dbSNP rs1846070989, ClinGen allele CA379125653.

ClinVar aggregate classification (germline): Uncertain significance (1 of 4 stars; one submission).

Conditions:
TH-deficient dopa-responsive dystonia. Also called: Tyrosine Hydroxylase-Deficient Dopa-Responsive Dystonia; Segawa syndrome, autosomal recessive; DYT-TH. Identifiers: Orphanet 101150, MedGen C2673535, MONDO:0011551, OMIM 605407.

Allele frequency attached by ClinVar (database versions not stated): TOPMed below 0.00001.

Submission:

Neuberg Centre For Genomic Medicine, NCGM
Classification: Uncertain significance for TH-deficient dopa-responsive dystonia. Review status: criteria provided, single submitter. Criteria: ACMG Guidelines, 2015. Collection method: clinical testing. Allele origin: germline. Affected: yes.
Comment: The missense variant p.Y419H in TH (NM_199292.3) has not been reported previously as a pathogenic variant nor as a benign variant, to our knowledge. The p.Y419H variant is novel (not in any individuals) in gnomAD Exomes and is novel (not in any individuals) in 1000 Genomes. It is present in the catalytic domain which contains majority of the disease causing mutations. The p.Y419H missense variant is predicted to be damaging by both SIFT and PolyPhen2. The nucleotide c.1255 in TH is predicted conserved by GERP++ and PhyloP across 100 vertebrates. For these reasons, this variant has been classified as Uncertain Significance.